The following is an entry in ClinVar:

ClinVar aggregate classification (germline): Likely benign (1 of 4 stars; one submission).

Allele frequency attached by ClinVar (database versions not stated): 1000 Genomes Project 0.00060; 1000 Genomes Project 30x 0.00062; ESP Exome Variant Server 0.00077; TOPMed 0.00077; ExAC 0.00164; gnomAD 0.00165; gnomAD exomes 0.00197.
gnomAD v4.1: 3,096 of 1,613,914 alleles (0.19%); highest among the groups gnomAD compares: Non-Finnish European, 0.2%; 11 homozygotes.

Submission:

CeGaT Center for Human Genetics Tuebingen
Classification: Likely benign. Last evaluated: 2023-04-01. Review status: criteria provided, single submitter. Criteria: CeGaT Center For Human Genetics Tuebingen Variant Classification Criteria Version 2. Collection method: clinical testing. Allele origin: germline. Affected: yes. Observed: 2 variant alleles.
Comment: HSP90AA1: BP4, BP7

NM_005348.4(HSP90AA1):c.492C>T (p.Ser164=)

Gene: HSP90AA1 (heat shock protein 90 alpha family class A member 1; minus strand). Cytogenetic location: 14q32.31.
Variant type: single nucleotide variant.
Coding change: c.492C>T on transcript NM_005348.4 (MANE Select); coding-DNA position 492, C replaced by T.
Protein change: p.Ser164=; no amino-acid change (serine 164 retained).
Molecular consequence: synonymous variant.
Genome position (GRCh38, 1-based): chr14:102,085,795, G>A on the plus strand (C>T on the coding strand, the complement: HSP90AA1 is on the minus strand). VCF-style: chr14-102085795-G-A. GRCh37 (hg19) VCF-style: chr14-102552132-G-A.
Other names: c.858C>T, p.Ser286= (NM_001017963.3).
Identifiers: ClinVar variation 2644576 (VCV002644576.24), dbSNP rs115674612, ClinGen allele CA7355120.
Genomic context (GRCh38, chr14:102,085,795, plus strand): 5'-CCAGTGAATGTTCAGGTGCCTACCTGTGTCTGTCCTCACTGTGAATGATCCCCCTGCTGA[G>A]GACTCCCAAGCGTACTGCTCATCATCGTTATGTTTGGTGATCACAGTTACTTTCTCAGCA-3'
Protein context (NP_005339.3, residues 154-174): HNDDEQYAWE[Ser164=]SAGGSFTVRT